The following is an entry in ClinVar:

NM_000229.2(LCAT):c.1021G>A (p.Val341Met)

Gene: LCAT (lecithin-cholesterol acyltransferase; minus strand). Cytogenetic location: 16q22.1.
Variant type: single nucleotide variant.
Coding change: c.1021G>A on transcript NM_000229.2 (MANE Select); coding-DNA position 1021, G replaced by A.
Protein change: p.Val341Met; replaces valine 341 with methionine.
Molecular consequence: missense variant.
Genome position (GRCh38, 1-based): chr16:67,940,206, C>T on the plus strand (G>A on the coding strand, the complement: LCAT is on the minus strand). VCF-style: chr16-67940206-C-T. GRCh37 (hg19) VCF-style: chr16-67974109-C-T.
Other names: short protein forms V341M.
Identifiers: ClinVar variation 1390755 (VCV001390755.9), dbSNP rs746487870, ClinGen allele CA8120915.

ClinVar aggregate classification (germline): Uncertain significance. Review status: criteria provided, multiple submitters, no conflicts (2 of 4 stars). 2 submissions from 2 submitters: Uncertain significance (2). Last evaluated 2024-01-05.

Conditions:
Fish-eye disease (FED). Also called: DYSLIPOPROTEINEMIC CORNEAL DYSTROPHY; LCATA DEFICIENCY; ALPHA-LCAT DEFICIENCY. Identifiers: Orphanet 650, Orphanet 79292, MedGen C0342895, MONDO:0007620, OMIM 136120.
Norum disease. Also called: Familial lecithin cholesterol acyltransferase deficiency. Identifiers: Orphanet 79293, MedGen C0023195, MONDO:0009515, OMIM 245900.

Allele frequency attached by ClinVar (database versions not stated): TOPMed 0.00002; gnomAD 0.00003; gnomAD exomes 0.00004 and 0.00006; ExAC 0.00007.
gnomAD v4.1: 72 of 1,612,562 alleles (0.0045%); highest among the groups gnomAD compares: Non-Finnish European, 0.0044%; no homozygotes.

Submissions (2):

Fulgent Genetics
Classification: Uncertain significance for Fish-eye disease; Norum disease. Last evaluated: 2024-01-05. Review status: criteria provided, single submitter. Criteria: ACMG Guidelines, 2015. Collection method: clinical testing. Allele origin: germline.

Labcorp Genetics (formerly Invitae), Labcorp
Classification: Uncertain significance. Last evaluated: 2021-04-10. Review status: criteria provided, single submitter. Criteria: Invitae Variant Classification Sherloc (09022015). Collection method: clinical testing. Allele origin: germline.
Comment: In summary, the available evidence is currently insufficient to determine the role of this variant in disease. Therefore, it has been classified as a Variant of Uncertain Significance. Algorithms developed to predict the effect of missense changes on protein structure and function output the following: SIFT: "Tolerated"; PolyPhen-2: "Benign"; Align-GVGD: "Class C0". The methionine amino acid residue is found in multiple mammalian species, suggesting that this missense change does not adversely affect protein function. These predictions have not been confirmed by published functional studies and their clinical significance is uncertain. This variant has not been reported in the literature in individuals with LCAT-related conditions. The frequency data for this variant in the population databases is considered unreliable, as metrics indicate poor data quality at this position in the ExAC database. This sequence change replaces valine with methionine at codon 341 of the LCAT protein (p.Val341Met). The valine residue is moderately conserved and there is a small physicochemical difference between valine and methionine.